The following is an entry in ClinVar:

ClinVar aggregate classification (germline): Uncertain significance (1 of 4 stars; one submission).

Conditions:
KSR2-related disorder. Also called: KSR2-related condition.

gnomAD v4.1: 2 of 1,613,912 alleles (0.00012%); highest among the groups gnomAD compares: Non-Finnish European, 0.000085%; no homozygotes.

Submission:

PreventionGenetics, part of Exact Sciences
Classification: Uncertain significance for KSR2-related condition. Last evaluated: 2026-09-09. Review status: criteria provided, single submitter. Criteria: ACMG Guidelines, 2015. Collection method: clinical testing. Allele origin: germline.
Comment: The KSR2 c.1985T>G variant is predicted to result in the amino acid substitution p.Ile662Ser. To our knowledge, this variant has not been reported in the literature or in a large population database (gnomAD), indicating this variant is rare. At this time, the clinical significance of this variant is uncertain due to the absence of conclusive functional and genetic evidence.

NM_173598.6(KSR2):c.2072T>G (p.Ile691Ser)

Gene: KSR2 (kinase suppressor of ras 2; minus strand). Cytogenetic location: 12q24.22.
Variant type: single nucleotide variant.
Coding change: c.2072T>G on transcript NM_173598.6 (MANE Select); coding-DNA position 2072, T replaced by G.
Protein change: p.Ile691Ser; replaces isoleucine 691 with serine.
Molecular consequence: missense variant.
Genome position (GRCh38, 1-based): chr12:117,524,999, A>C on the plus strand (T>G on the coding strand, the complement: KSR2 is on the minus strand). VCF-style: chr12-117524999-A-C. GRCh37 (hg19) VCF-style: chr12-117962804-A-C.
Other names: short protein forms I691S.
Identifiers: ClinVar variation 4993029 (VCV004993029.1).
Genomic context (GRCh38, chr12:117,524,999, plus strand): 5'-ACCTCCCGCTTGAAGGCCTTGAGCTGGTCCTCGTTGTCCCTCTCAATGTCAATCAGCCGG[A>C]TGGCCACCTCGCCATGCCAGCGGCCGTGGTACACTTGCCCAAAGCGGCCCTTTCCAATGA-3'
Protein context (NP_775869.4, residues 681-701): YHGRWHGEVA[Ile691Ser]RLIDIERDNE